The following is an entry in ClinVar:

ClinVar aggregate classification (germline): Uncertain significance (1 of 4 stars; one submission).

Conditions:
Multiple congenital exostosis (EXT). Also called: Hereditary multiple exostoses; Hereditary multiple exostosis; Multiple osteochondromas; MULTIPLE CARTILAGINOUS EXOSTOSES; Hereditary multiple osteochondromas; Multiple exostoses. Identifiers: Orphanet 321, MedGen C0015306, MONDO:0005508, HP:0002762.

Allele frequency attached by ClinVar (database versions not stated): gnomAD exomes below 0.00001; TOPMed below 0.00001.
gnomAD v4.1: 1 of 1,614,064 alleles (0.000062%); highest among the groups gnomAD compares: Admixed American, 0.0017%; no homozygotes.

Submission:

Labcorp Genetics (formerly Invitae), Labcorp
Classification: Uncertain significance for Multiple congenital exostosis. Last evaluated: 2024-07-26. Review status: criteria provided, single submitter. Criteria: Invitae Variant Classification Sherloc (09022015). Collection method: clinical testing. Allele origin: germline.
Comment: This sequence change replaces histidine, which is basic and polar, with arginine, which is basic and polar, at codon 397 of the EXT1 protein (p.His397Arg). This variant is present in population databases (no rsID available, gnomAD 0.003%). This variant has not been reported in the literature in individuals affected with EXT1-related conditions. Advanced modeling of protein sequence and biophysical properties (such as structural, functional, and spatial information, amino acid conservation, physicochemical variation, residue mobility, and thermodynamic stability) performed at Invitae indicates that this missense variant is not expected to disrupt EXT1 protein function with a negative predictive value of 80%. In summary, the available evidence is currently insufficient to determine the role of this variant in disease. Therefore, it has been classified as a Variant of Uncertain Significance.

NM_000127.3(EXT1):c.1190A>G (p.His397Arg)

Gene: EXT1 (exostosin glycosyltransferase 1; minus strand). Cytogenetic location: 8q24.11.
Variant type: single nucleotide variant.
Coding change: c.1190A>G on transcript NM_000127.3 (MANE Select); coding-DNA position 1190, A replaced by G.
Protein change: p.His397Arg; replaces histidine 397 with arginine.
Molecular consequence: missense variant.
Genome position (GRCh38, 1-based): chr8:117,830,324, T>C on the plus strand (A>G on the coding strand, the complement: EXT1 is on the minus strand). VCF-style: chr8-117830324-T-C. GRCh37 (hg19) VCF-style: chr8-118842563-T-C.
Other names: short protein forms H397R.
Identifiers: ClinVar variation 2709716 (VCV002709716.3), dbSNP rs1222448496, ClinGen allele CA371890603.